The following is an entry in ClinVar:

NM_022455.5(NSD1):c.2152_2153del (p.Ser718fs)

Gene: NSD1 (nuclear receptor binding SET domain protein 1; plus strand). Cytogenetic location: 5q35.3.
Variant type: Microsatellite.
Coding change: c.2152_2153del on transcript NM_022455.5 (MANE Select); coding-DNA positions 2152 to 2153, 2 bases deleted (AG; older notation c.2152_2153delAG).
Protein change: p.Ser718fs; shifts the reading frame from serine 718.
Molecular consequence: frameshift variant.
Genome position (GRCh38, 1-based): chr5:177,210,551-177,210,552, AG deleted; deleting any 2 consecutive bases within chr5:177,210,549-177,210,552 gives the same sequence; the c. name uses the placement nearest the transcript's 3' end. VCF-style (leftmost placement, unchanged base first): chr5-177210548-AAG-A. GRCh37 (hg19) VCF-style: chr5-176637549-AAG-A.
Other names: c.2152_2153delAG (NM_022455.4); c.1277_1278AG[1], p.Ser427Cysfs (NM_001365684.2, NM_001409306.1, NM_001409307.1 and 3 more transcripts); c.2150_2151AG[1], p.Ser718Cysfs (NM_001409301.1, NM_001409302.1, NM_001409303.1); c.1730_1731AG[1], p.Ser578Cysfs (NM_001409304.1); c.1397_1398AG[1], p.Ser467Cysfs (NM_001409305.1); short protein forms S718fs, S449fs.
Identifiers: ClinVar variation 423009 (VCV000423009.2), dbSNP rs1064796161, ClinGen allele CA16618167.

ClinVar aggregate classification (germline): Pathogenic (1 of 4 stars; one submission).

Submission:

GeneDx
Classification: Pathogenic. Last evaluated: 2017-01-16. Review status: criteria provided, single submitter. Criteria: GeneDx Variant Classification (06012015). Collection method: clinical testing. Allele origin: germline. Affected: yes.
Comment: The c.2152_2153delAG pathogenic variant in the NSD1 gene causes a frameshift starting with codon Serine 718, changes this amino acid to a Cysteine residue and creates a premature Stop codon at position 11 of the new reading frame, denoted p.Ser718CysfsX11. This pathogenic variant is predicted to cause loss of normal protein function either through protein truncation or nonsense-mediated mRNA decay. The c.2152_2153delAG variant is not observed in large population cohorts (Lek et al., 2016; 1000 Genomes Consortium et al., 2015; Exome Variant Server).